The following is an entry in ClinVar:

ClinVar aggregate classification (germline): Pathogenic (1 of 4 stars; one submission).

Conditions:
Multiple sulfatase deficiency (MSD). Also called: Mucosulfatidosis; Multiple Sulfatase Deficiency Disease; Sulfatidosis, Juvenile, Austin Type. Identifiers: Orphanet 585, MedGen C0268263, MONDO:0010088, OMIM 272200.

Submission:

Myriad Genetics, Inc.
Classification: Pathogenic for Multiple sulfatase deficiency. Last evaluated: 2023-09-27. Review status: criteria provided, single submitter. Criteria: Myriad Autosomal Dominant, Autosomal Recessive and X-Linked Classification Criteria (2023). Collection method: clinical testing. Allele origin: unknown.
Comment: NM_182760.3(SUMF1):c.669dupG(R224Afs*7) is expected to be pathogenic in the context of multiple sulfatase deficiency. This variant is predicted to lead to an abnormal or absent protein product due to the creation of a premature termination codon in SUMF1, a gene where loss-of-function variants are known to be pathogenic. Please note: this variant was assessed in the context of healthy population screening.

NM_182760.4(SUMF1):c.669dup (p.Arg224fs)

Gene: SUMF1 (sulfatase modifying factor 1; minus strand). Cytogenetic location: 3p26.1.
Variant type: Duplication.
Coding change: c.669dup on transcript NM_182760.4 (MANE Select); coding-DNA position 669, one base duplicated (G; older notation c.669dupG).
Protein change: p.Arg224fs; shifts the reading frame from arginine 224.
Molecular consequence: frameshift variant.
Genome position (GRCh38, 1-based): chr3:4,418,066, C duplicated on the plus strand (G on the coding strand, the reverse complement: SUMF1 is on the minus strand). VCF-style (leftmost placement, unchanged base first): chr3-4418065-G-GC. GRCh37 (hg19) VCF-style: chr3-4459749-G-GC.
Other names: c.594dup, p.Arg199fs (NM_001164674.2); c.669dup, p.Arg224fs (NM_001164675.2); short protein forms R199fs, R224fs.
Identifiers: ClinVar variation 5012167 (VCV005012167.1).